The following is an entry in ClinVar:

ClinVar aggregate classification (germline): Uncertain significance (1 of 4 stars; one submission).

Submission:

GeneDx
Classification: Uncertain significance. Last evaluated: 2025-01-08. Review status: criteria provided, single submitter. Criteria: GeneDx Variant Classification Process June 2021. Collection method: clinical testing. Allele origin: germline. Affected: yes.
Comment: Not observed at significant frequency in large population cohorts (gnomAD); In silico analysis supports that this missense variant has a deleterious effect on protein structure/function; Has not been previously published as pathogenic or benign to our knowledge

NM_153252.5(BRWD3):c.754C>G (p.Arg252Gly)

Gene: BRWD3 (bromodomain and WD repeat domain containing 3; minus strand). Cytogenetic location: Xq21.1.
Variant type: single nucleotide variant.
Coding change: c.754C>G on transcript NM_153252.5 (MANE Select); coding-DNA position 754, C replaced by G.
Protein change: p.Arg252Gly; replaces arginine 252 with glycine.
Molecular consequence: missense variant.
Genome position (GRCh38, 1-based): chrX:80,744,091, G>C on the plus strand (C>G on the coding strand, the complement: BRWD3 is on the minus strand). VCF-style: chrX-80744091-G-C. GRCh37 (hg19) VCF-style: chrX-79999590-G-C.
Other names: short protein forms R252G.
Identifiers: ClinVar variation 4057049 (VCV004057049.1).